The following is an entry in ClinVar:

ClinVar aggregate classification (germline): Conflicting classifications of pathogenicity. Review status: criteria provided, conflicting classifications (1 of 4 stars). 4 submissions from 4 submitters: Uncertain significance (2); Benign (2). Last evaluated 2026-07-01.

Conditions:
Chronic kidney disease. Identifiers: MedGen C1561643, MONDO:0005300, HP:0012622.

Allele frequency attached by ClinVar (database versions not stated): ESP Exome Variant Server 0.00929; 1000 Genomes Project 30x 0.01093; gnomAD exomes 0.00070 and 0.00183; ExAC 0.00227; gnomAD 0.00716 and 0.00774; 1000 Genomes Project 0.00779.
gnomAD v4.1: 1,986 of 1,523,054 alleles (0.13%); highest among the groups gnomAD compares: African/African-American, 3%; 575 homozygotes.

Submissions (7):

CeGaT Center for Human Genetics Tuebingen
Classification: Benign. Last evaluated: 2026-07-01. Review status: criteria provided, single submitter. Criteria: CeGaT Center For Human Genetics Tuebingen Variant Classification Criteria Version 2. Collection method: clinical testing. Allele origin: germline. Affected: yes. Observed: 2 variant alleles.
Comment: CFHR1: BS1, BS2

Mayo Clinic Laboratories, Mayo Clinic
Classification: Uncertain significance. Last evaluated: 2025-11-05. Review status: criteria provided, single submitter. Criteria: ACMG Guidelines, 2015. Collection method: clinical testing. Allele origin: germline. Observed: 30 variant alleles.
Comment: BS1, PP3

Cavalleri Lab, Royal College of Surgeons in Ireland
Classification: Uncertain significance for Chronic kidney disease. Last evaluated: 2020-05-28. Review status: criteria provided, single submitter. Criteria: ACMG Guidelines, 2015. Collection method: research. Allele origin: unknown. Inheritance: Autosomal dominant inheritance. Affected: yes.
Comment: PVS1 ,PP3

Genetic Services Laboratory, University of Chicago
Classification: Benign. Last evaluated: 2019-05-14. Review status: criteria provided, single submitter. Criteria: ACMG Guidelines, 2015. Collection method: clinical testing. Allele origin: germline. Affected: no.

Dr. Peter K. Rogan Lab, Western University
No classification provided (evidence only). Condition: Colon adenocarcinoma. Review status: no classification provided. Collection method: in vitro. Allele origin: not applicable. Functional consequence: retained intron. Not counted in ClinVar's aggregate classification.

Dr. Peter K. Rogan Lab, Western University
No classification provided (evidence only). Condition: Hepatocellular carcinoma. Review status: no classification provided. Collection method: in vitro. Allele origin: not applicable. Functional consequence: skipped exon, retained intron. Not counted in ClinVar's aggregate classification.

Dr. Peter K. Rogan Lab, Western University
No classification provided (evidence only). Condition: Hepatocellular carcinoma. Review status: no classification provided. Collection method: in vitro. Allele origin: not applicable. Functional consequence: skipped exon, retained intron. Not counted in ClinVar's aggregate classification.

Literature cited by the submitters: PubMed 37588055 (cited by Mayo Clinic Laboratories, Mayo Clinic).

NM_002113.3(CFHR1):c.790+1G>A

Gene: CFHR1 (complement factor H related 1; plus strand). Cytogenetic location: 1q31.3.
Variant type: single nucleotide variant.
Coding change: c.790+1G>A on transcript NM_002113.3 (MANE Select); the canonical splice donor site of the intron after coding-DNA position 790, G replaced by A.
Molecular consequence: splice donor variant.
Genome position (GRCh38, 1-based): chr1:196,830,683, G>A. VCF-style: chr1-196830683-G-A. GRCh37 (hg19) VCF-style: chr1-196799813-G-A.
Other names: c.586+1G>A (NM_001379311.1); c.739+1G>A (NM_001379306.1); c.628+1G>A (NM_001379307.1); c.625+1G>A (NM_001379308.1); c.622+1G>A (NM_001379309.1); c.595+1G>A (NM_001379310.1); c.547+1G>A (NM_001379312.1).
Identifiers: ClinVar variation 915864 (VCV000915864.36), dbSNP rs140799744, ClinGen allele CA1306584.
Genomic context (GRCh38, chr1:196,830,683, plus strand): 5'-AGGGTAACAAGCGAATAACATGTAGAAATGGACAATGGTCAGAACCACCAAAATGCTTAC[G>A]TAAGTACTTTAATATTCACGTGGCTGGAAAAATCAGTGTGATGAGTCTGATATTTTGCTG-3'